The following is an entry in ClinVar:

NM_004385.5(VCAN):c.4380A>C (p.Glu1460Asp)

Genes: VCAN (versican; plus strand), VCAN-AS1 (VCAN antisense RNA 1; minus strand). Cytogenetic location: 5q14.3.
Variant type: single nucleotide variant.
Coding change: c.4380A>C on transcript NM_004385.5 (MANE Select); coding-DNA position 4380, A replaced by C.
Protein change: p.Glu1460Asp; replaces glutamic acid 1460 with aspartic acid.
Molecular consequence: missense variant. On other transcripts: intron variant (2).
Genome position (GRCh38, 1-based): chr5:83,537,383, A>C. VCF-style: chr5-83537383-A-C. GRCh37 (hg19) VCF-style: chr5-82833202-A-C.
Other names: c.1419A>C, p.Glu473Asp (NM_001164097.2); c.4004-8154A>C (NM_001164098.2); c.1043-8154A>C (NM_001126336.3); short protein forms E1460D, E473D.
Identifiers: ClinVar variation 849238 (VCV000849238.11), dbSNP rs775232854, ClinGen allele CA3333164.
Genomic context (GRCh38, chr5:83,537,383, plus strand): 5'-TCAGAATTTCTCGGACAGCTCTGAAAGTGATACTCATCCATTTGTAATAGCCAAAACGGA[A>C]TTGTCTACTGCTGTGCAACCTAATGAATCTACAGAAACAACTGAGTCTCTTGAAGTTACA-3'
Protein context (NP_004376.2, residues 1450-1470): DTHPFVIAKT[Glu1460Asp]LSTAVQPNES

ClinVar aggregate classification (germline): Uncertain significance (1 of 4 stars; one submission).

Allele frequency attached by ClinVar (database versions not stated): ExAC 0.00001; gnomAD exomes 0.00001 and 0.00004; gnomAD 0.00002; TOPMed 0.00003.
gnomAD v4.1: 61 of 1,613,876 alleles (0.0038%); highest among the groups gnomAD compares: Non-Finnish European, 0.005%; no homozygotes.

Submission:

Labcorp Genetics (formerly Invitae), Labcorp
Classification: Uncertain significance. Last evaluated: 2022-10-23. Review status: criteria provided, single submitter. Criteria: Invitae Variant Classification Sherloc (09022015). Collection method: clinical testing. Allele origin: germline.
Comment: This variant is present in population databases (rs775232854, gnomAD 0.003%). This variant has not been reported in the literature in individuals affected with VCAN-related conditions. ClinVar contains an entry for this variant (Variation ID: 849238). Algorithms developed to predict the effect of missense changes on protein structure and function are either unavailable or do not agree on the potential impact of this missense change (SIFT: "Tolerated"; PolyPhen-2: "Possibly Damaging"; Align-GVGD: "Class C0"). In summary, the available evidence is currently insufficient to determine the role of this variant in disease. Therefore, it has been classified as a Variant of Uncertain Significance. This sequence change replaces glutamic acid, which is acidic and polar, with aspartic acid, which is acidic and polar, at codon 1460 of the VCAN protein (p.Glu1460Asp).